The following is an entry in ClinVar:

NM_000540.3(RYR1):c.1380C>T (p.His460=)

Gene: RYR1 (ryanodine receptor 1; plus strand). Cytogenetic location: 19q13.2.
Variant type: single nucleotide variant.
Coding change: c.1380C>T on transcript NM_000540.3 (MANE Select); coding-DNA position 1380, C replaced by T.
Protein change: p.His460=; no amino-acid change (histidine 460 retained).
Molecular consequence: synonymous variant.
Genome position (GRCh38, 1-based): chr19:38,452,954, C>T. VCF-style: chr19-38452954-C-T. GRCh37 (hg19) VCF-style: chr19-38943594-C-T.
Other names: c.1380C>T, p.His460= (NM_001042723.2).
Identifiers: ClinVar variation 2041062 (VCV002041062.5), dbSNP rs750304434, ClinGen allele CA060559.
Genomic context (GRCh38, chr19:38,452,954, plus strand): 5'-TATCCTGAGCCTGCAGGACCTCATCATCTACTTCGAGCCTCCCTCCGAGGACTTGCAGCA[C>T]GAGGAGAAGCAGAGCAAGCTGCGAAGCCTGCGCAACCGCCAGAGCCTCTTCCAGGAGGAG-3'
Protein context (NP_000531.2, residues 450-470): YFEPPSEDLQ[His460=]EEKQSKLRSL

ClinVar aggregate classification (germline): Likely benign. Review status: criteria provided, multiple submitters, no conflicts (2 of 4 stars). 2 submissions from 2 submitters: Likely benign (2). Last evaluated 2024-05-23.

Conditions:
RYR1-related disorder. Also called: RYR1-related condition; RYR1-related disorders. Identifiers: MedGen CN239331.
Malignant hyperthermia, susceptibility to, 1 (MHS1). Also called: Malignant hyperthermia suceptibility 1; Anesthesia related hyperthermia; Malignant hyperpyrexia; Fulminating hyperpyrexia; Pharmacogenic myopathy; RYR1-Related Malignant Hyperthermia Susceptibility. Identifiers: Orphanet 423, MedGen C2930980, MONDO:0007783, OMIM 145600.

Allele frequency attached by ClinVar (database versions not stated): ExAC 0.00001.
gnomAD v4.1: 3 of 1,613,990 alleles (0.00019%); highest among the groups gnomAD compares: Non-Finnish European, 0.00017%; no homozygotes.

Submissions (2):

Labcorp Genetics (formerly Invitae), Labcorp
Classification: Likely benign for RYR1-related disorder. Last evaluated: 2024-05-23. Review status: criteria provided, single submitter. Criteria: Invitae Variant Classification Sherloc (09022015). Collection method: clinical testing. Allele origin: germline.

All of Us Research Program, National Institutes of Health
Classification: Likely benign for Malignant hyperthermia, susceptibility to, 1. Last evaluated: 2023-11-20. Review status: criteria provided, single submitter. Criteria: ACMG Guidelines, 2015. Collection method: clinical testing. Allele origin: germline. Inheritance: Autosomal dominant inheritance. Observed: 1 variant allele, 1 heterozygote.
Comment: This study involves interpretation of variants in research participants for the purpose of population health screening. Participant phenotype was not available at the time of variant classification. Additional details can be found in publication PMID: 35346344, PMCID: PMC8962531